The following is an entry in ClinVar:

ClinVar aggregate classification (germline): Uncertain significance (1 of 4 stars; one submission).

Conditions:
TMEM165-congenital disorder of glycosylation. Also called: Congenital disorder of glycosylation type 2k; TMEM165-CDG; CDG IIk. Identifiers: Orphanet 314667, MedGen C3553571, MONDO:0013870, OMIM 614727.

Allele frequency attached by ClinVar (database versions not stated): gnomAD exomes below 0.00001; ExAC 0.00001; TOPMed 0.00001.

Submission:

Labcorp Genetics (formerly Invitae), Labcorp
Classification: Uncertain significance for TMEM165-congenital disorder of glycosylation. Last evaluated: 2024-01-09. Review status: criteria provided, single submitter. Criteria: Invitae Variant Classification Sherloc (09022015). Collection method: clinical testing. Allele origin: germline.
Comment: This sequence change replaces alanine, which is neutral and non-polar, with threonine, which is neutral and polar, at codon 261 of the TMEM165 protein (p.Ala261Thr). This variant is present in population databases (rs747058821, gnomAD 0.006%). This variant has not been reported in the literature in individuals affected with TMEM165-related conditions. Advanced modeling of protein sequence and biophysical properties (such as structural, functional, and spatial information, amino acid conservation, physicochemical variation, residue mobility, and thermodynamic stability) performed at Invitae indicates that this missense variant is expected to disrupt TMEM165 protein function with a positive predictive value of 80%. In summary, the available evidence is currently insufficient to determine the role of this variant in disease. Therefore, it has been classified as a Variant of Uncertain Significance.

NM_018475.5(TMEM165):c.781G>A (p.Ala261Thr)

Gene: TMEM165 (transmembrane protein 165; plus strand). Cytogenetic location: 4q12.
Variant type: single nucleotide variant.
Coding change: c.781G>A on transcript NM_018475.5 (MANE Select); coding-DNA position 781, G replaced by A.
Protein change: p.Ala261Thr; replaces alanine 261 with threonine.
Molecular consequence: missense variant. On other transcripts: non-coding transcript variant (1).
Genome position (GRCh38, 1-based): chr4:55,417,974, G>A. VCF-style: chr4-55417974-G-A. GRCh37 (hg19) VCF-style: chr4-56284141-G-A.
Other names: short protein forms A261T.
Identifiers: ClinVar variation 3003272 (VCV003003272.3), dbSNP rs747058821, ClinGen allele CA2925579.